The following is an entry in ClinVar:

ClinVar aggregate classification (germline): Uncertain significance (1 of 4 stars; one submission).

Allele frequency attached by ClinVar (database versions not stated): gnomAD exomes below 0.00001 and 0.00001.
gnomAD v4.1: 4 of 1,613,940 alleles (0.00025%); highest among the groups gnomAD compares: Admixed American, 0.0033%; no homozygotes.

Submission:

Labcorp Genetics (formerly Invitae), Labcorp
Classification: Uncertain significance. Last evaluated: 2026-01-05. Review status: criteria provided, single submitter. Criteria: Invitae Variant Classification Sherloc (09022015). Collection method: clinical testing. Allele origin: germline.
Comment: This sequence change replaces aspartic acid, which is acidic and polar, with alanine, which is neutral and non-polar, at codon 828 of the NFKB1 protein (p.Asp828Ala). This variant is present in population databases (no rsID available, gnomAD 0.0009%). This variant has not been reported in the literature in individuals affected with NFKB1-related conditions. ClinVar contains an entry for this variant (Variation ID: 1426637). An algorithm developed to predict the effect of missense changes on protein structure and function (PolyPhen-2) suggests that this variant is likely to be disruptive. In summary, the available evidence is currently insufficient to determine the role of this variant in disease. Therefore, it has been classified as a Variant of Uncertain Significance.

NM_003998.4(NFKB1):c.2483A>C (p.Asp828Ala)

Gene: NFKB1 (nuclear factor kappa B subunit 1; plus strand). Cytogenetic location: 4q24.
Variant type: single nucleotide variant.
Coding change: c.2483A>C on transcript NM_003998.4 (MANE Select); coding-DNA position 2483, A replaced by C.
Protein change: p.Asp828Ala; replaces aspartic acid 828 with alanine.
Molecular consequence: missense variant.
Genome position (GRCh38, 1-based): chr4:102,612,497, A>C. VCF-style: chr4-102612497-A-C. GRCh37 (hg19) VCF-style: chr4-103533654-A-C.
Other names: c.2480A>C, p.Asp827Ala (NM_001165412.2, NM_001319226.2, NM_001382627.1); c.2483A>C, p.Asp828Ala (NM_001382625.1, NM_001382626.1); c.2441A>C, p.Asp814Ala (NM_001382628.1); short protein forms D827A, D828A, D814A.
Identifiers: ClinVar variation 1426637 (VCV001426637.6), dbSNP rs984318104, ClinGen allele CA102690095.